The following is an entry in ClinVar:

NM_003239.5(TGFB3):c.323T>C (p.Phe108Ser)

Gene: TGFB3 (transforming growth factor beta 3; minus strand). Cytogenetic location: 14q24.3.
Variant type: single nucleotide variant.
Coding change: c.323T>C on transcript NM_003239.5 (MANE Select); coding-DNA position 323, T replaced by C.
Protein change: p.Phe108Ser; replaces phenylalanine 108 with serine.
Molecular consequence: missense variant.
Genome position (GRCh38, 1-based): chr14:75,980,571, A>G on the plus strand (T>C on the coding strand, the complement: TGFB3 is on the minus strand). VCF-style: chr14-75980571-A-G. GRCh37 (hg19) VCF-style: chr14-76446914-A-G.
Other names: c.323T>C, p.Phe108Ser (NM_001329938.2, NM_001329939.2); short protein forms F108S.
Identifiers: ClinVar variation 520204 (VCV000520204.6), dbSNP rs1555361384, ClinGen allele CA390470906.

ClinVar aggregate classification (germline): Uncertain significance (1 of 4 stars; one submission).

Conditions:
Familial thoracic aortic aneurysm and aortic dissection (TAAD). Also called: Thoracic aortic aneurysms and dissections. Identifiers: Orphanet 91387, MedGen C4707243, MONDO:0019625.

Submission:

Ambry Genetics
Classification: Uncertain significance for Familial thoracic aortic aneurysm and aortic dissection. Last evaluated: 2024-05-23. Review status: criteria provided, single submitter. Criteria: Ambry Variant Classification Scheme 2023. Collection method: clinical testing. Allele origin: germline.
Comment: The p.F108S variant (also known as c.323T>C), located in coding exon 1 of the TGFB3 gene, results from a T to C substitution at nucleotide position 323. The phenylalanine at codon 108 is replaced by serine, an amino acid with highly dissimilar properties. This amino acid position is highly conserved in available vertebrate species. In addition, this alteration is predicted to be deleterious by in silico analysis. Based on the available evidence, the clinical significance of this variant remains unclear.